The following is an entry in ClinVar:

NM_001267550.2(TTN):c.102234A>T (p.Glu34078Asp)

Genes: TTN-AS1 (TTN antisense RNA 1; plus strand), TTN (titin; minus strand). Cytogenetic location: 2q31.2.
Variant type: single nucleotide variant.
Coding change: c.102234A>T on transcript NM_001267550.2 (MANE Select); coding-DNA position 102234, A replaced by T.
Protein change: p.Glu34078Asp; replaces glutamic acid 34078 with aspartic acid.
Molecular consequence: missense variant.
Genome position (GRCh38, 1-based): chr2:178,534,381, T>A on the plus strand (A>T on the coding strand, the complement: TTN is on the minus strand). VCF-style: chr2-178534381-T-A. GRCh37 (hg19) VCF-style: chr2-179399108-T-A.
Other names: c.97311A>T, p.Glu32437Asp (NM_001256850.1); c.75039A>T, p.Glu25013Asp (NM_003319.4); c.94530A>T, p.Glu31510Asp (NM_133378.4); c.75414A>T, p.Glu25138Asp (NM_133432.3); c.75615A>T, p.Glu25205Asp (NM_133437.4); short protein forms E34078D, E32437D, E25138D, E25013D, E25205D, E31510D.
Identifiers: ClinVar variation 1520591 (VCV001520591.8), dbSNP rs1043486033, ClinGen allele CA60959362.
Genomic context (GRCh38, chr2:178,534,381, plus strand): 5'-GATCAGGGTGTGGTAATAACGCCGGTGTTTTAATGTTCTGATAACTTTAGTACTGACTCT[T>A]TCTATCTTCTGCTTCAACCATGGGTGCTGGAGAGCCTCCGATGCTGTCATGCGAGATTTC-3'
Protein context (NP_001254479.2, residues 34068-34088): LQHPWLKQKI[Glu34078Asp]RVSTKVIRTL

ClinVar aggregate classification (germline): Uncertain significance (1 of 4 stars; one submission).

Conditions:
Dilated cardiomyopathy 1G (CMD1G). Identifiers: Orphanet 154, MedGen C1858763, MONDO:0011400, OMIM 604145.
Autosomal recessive limb-girdle muscular dystrophy type 2J (LGMDR10). Also called: Limb-girdle muscular dystrophy, type 2J; MUSCULAR DYSTROPHY, LIMB-GIRDLE, AUTOSOMAL RECESSIVE 10. Identifiers: Orphanet 140922, MedGen C1837342, MONDO:0012127, OMIM 608807.

Allele frequency attached by ClinVar (database versions not stated): gnomAD exomes below 0.00001; TOPMed 0.00001.
gnomAD v4.1: 2 of 1,610,704 alleles (0.00012%); highest among the groups gnomAD compares: Non-Finnish European, 0.00017%; no homozygotes.

Submission:

Labcorp Genetics (formerly Invitae), Labcorp
Classification: Uncertain significance for Dilated cardiomyopathy 1G; Autosomal recessive limb-girdle muscular dystrophy type 2J. Last evaluated: 2025-09-23. Review status: criteria provided, single submitter. Criteria: Invitae Variant Classification Sherloc (09022015). Collection method: clinical testing. Allele origin: germline.
Comment: This sequence change replaces glutamic acid, which is acidic and polar, with aspartic acid, which is acidic and polar, at codon 34078 of the TTN protein (p.Glu34078Asp). This variant is present in population databases (no rsID available, gnomAD 0.0009%). This variant has not been reported in the literature in individuals affected with TTN-related conditions. ClinVar contains an entry for this variant (Variation ID: 1520591). An algorithm developed to predict the effect of missense changes on protein structure and function outputs the following: PolyPhen-2: "Not Available". The aspartic acid amino acid residue is found in multiple mammalian species, which suggests that this missense change does not adversely affect protein function. This variant is located in the M band of TTN (PMID: 25589632). Non-truncating variants in this region may be relevant for neuromuscular disorders, but have not been definitively shown to cause cardiomyopathy (PMID: 23975875). In summary, the available evidence is currently insufficient to determine the role of this variant in disease. Therefore, it has been classified as a Variant of Uncertain Significance.

Literature cited by the submitters: PubMed 25589632; PubMed 23975875.